The following is an entry in ClinVar:

ClinVar aggregate classification (germline): Uncertain significance (1 of 4 stars; one submission).

Conditions:
Atrial fibrillation, familial, 18 (ATFB18). Identifiers: MedGen C4310636, MONDO:0015001, OMIM 617280.

Allele frequency attached by ClinVar (database versions not stated): gnomAD exomes 0.00003 and 0.00004; gnomAD 0.00001; ExAC 0.00002; TOPMed 0.00002.

Submission:

Labcorp Genetics (formerly Invitae), Labcorp
Classification: Uncertain significance for Atrial fibrillation, familial, 18. Last evaluated: 2025-11-25. Review status: criteria provided, single submitter. Criteria: Invitae Variant Classification Sherloc (09022015). Collection method: clinical testing. Allele origin: germline.
Comment: This variant, c.100_102dup, results in the insertion of 1 amino acid(s) of the MYL4 protein (p.Pro34dup), but otherwise preserves the integrity of the reading frame. This variant is present in population databases (rs759787679, gnomAD 0.005%). This variant has not been reported in the literature in individuals affected with MYL4-related conditions. ClinVar contains an entry for this variant (Variation ID: 940256). Experimental studies and prediction algorithms are not available or were not evaluated, and the functional significance of this variant is currently unknown. In summary, the available evidence is currently insufficient to determine the role of this variant in disease. Therefore, it has been classified as a Variant of Uncertain Significance.

NM_002476.2(MYL4):c.100_102dup (p.Pro34dup)

Gene: MYL4 (myosin light chain 4; plus strand). Cytogenetic location: 17q21.32.
Variant type: Duplication.
Coding change: c.100_102dup on transcript NM_002476.2 (MANE Select); coding-DNA positions 100 to 102, 3 bases duplicated (CCC; older notation c.100_102dupCCC).
Protein change: p.Pro34dup; duplicates proline 34.
Molecular consequence: inframe insertion.
Genome position (GRCh38, 1-based): chr17:47,209,522-47,209,524, CCC duplicated. VCF-style (leftmost placement, unchanged base first): chr17-47209521-T-TCCC. GRCh37 (hg19) VCF-style: chr17-45286887-T-TCCC.
Other names: c.100_102dup, p.Pro34dup (NM_001002841.2).
Identifiers: ClinVar variation 940256 (VCV000940256.9), dbSNP rs759787679, ClinGen allele CA8622564.